The following is an entry in ClinVar:

ClinVar aggregate classification (germline): Uncertain significance. Review status: criteria provided, multiple submitters, no conflicts (2 of 4 stars). 2 submissions from 2 submitters: Uncertain significance (2). Last evaluated 2026-03-05.

Conditions:
Neurodegeneration with brain iron accumulation 7. Identifiers: MedGen C4693583, MONDO:0054763, OMIM 617916.

gnomAD v4.1: 7 of 1,608,600 alleles (0.00044%); highest among the groups gnomAD compares: Admixed American, 0.0033%; no homozygotes.

Submissions (2):

Mendelics
Classification: Uncertain significance for Neurodegeneration with brain iron accumulation 7. Last evaluated: 2026-03-05. Review status: criteria provided, single submitter. Criteria: ACMG Guidelines, 2015. Collection method: clinical testing. Allele origin: unknown.
Comment: The available evidence is insufficient to conclusively determine the role of this variant. Therefore, it is classified as a Variant of Uncertain Significance.

Dasa
Classification: Uncertain significance. Last evaluated: 2025-11-20. Review status: criteria provided, single submitter. Criteria: DASA Assertion Criteria. Collection method: clinical testing. Allele origin: germline.
Comment: NM_001286611.2(REPS1):c.1603T>G (p.Ser535Ala) is a missense variant that results in the substitution of serine with alanine. This variant is rare in population databases. Computational prediction algorithms are consistent with a deleterious effect. The currently available literature and clinical evidence are not sufficient to establish a definitive association between this variant and the reported condition. Therefore, this variant is classified as a variant of uncertain significance.

NM_001286611.2(REPS1):c.1603T>G (p.Ser535Ala)

Gene: REPS1 (RALBP1 associated Eps domain containing 1; minus strand). Cytogenetic location: 6q24.1.
Variant type: single nucleotide variant.
Coding change: c.1603T>G on transcript NM_001286611.2 (MANE Select); coding-DNA position 1603, T replaced by G.
Protein change: p.Ser535Ala; replaces serine 535 with alanine.
Molecular consequence: missense variant. On other transcripts: intron variant (1).
Genome position (GRCh38, 1-based): chr6:138,915,975, A>C on the plus strand (T>G on the coding strand, the complement: REPS1 is on the minus strand). VCF-style: chr6-138915975-A-C. GRCh37 (hg19) VCF-style: chr6-139237112-A-C.
Other names: c.1522T>G, p.Ser508Ala (NM_001128617.3); c.1600T>G, p.Ser534Ala (NM_031922.5); c.1448-1214T>G (NM_001286612.2); short protein forms S508A, S534A, S535A.
Identifiers: ClinVar variation 4813552 (VCV004813552.3).